The following is an entry in ClinVar:

ClinVar aggregate classification (germline): Likely benign. Review status: criteria provided, multiple submitters, no conflicts (2 of 4 stars). 4 submissions from 4 submitters: Likely benign (4). Last evaluated 2026-01-26.

Conditions:
MYO18B-related disorder. Also called: MYO18B-related condition.

Allele frequency attached by ClinVar (database versions not stated): 1000 Genomes Project 30x 0.00016; 1000 Genomes Project 0.00020; ESP Exome Variant Server 0.00023; ExAC 0.00024; gnomAD exomes 0.00027 and 0.00034; TOPMed 0.00027; gnomAD 0.00028 and 0.00029.
gnomAD v4.1: 538 of 1,613,470 alleles (0.033%); highest among the groups gnomAD compares: Non-Finnish European, 0.032%; 1 homozygote.

Submissions (4):

Labcorp Genetics (formerly Invitae), Labcorp
Classification: Likely benign. Last evaluated: 2026-01-26. Review status: criteria provided, single submitter. Criteria: Invitae Variant Classification Sherloc (09022015). Collection method: clinical testing. Allele origin: germline.

PreventionGenetics, part of Exact Sciences
Classification: Likely benign for MYO18B-related condition. Last evaluated: 2024-11-12. Review status: criteria provided, single submitter. Criteria: ACMG Guidelines, 2015. Collection method: clinical testing. Allele origin: germline.
Comment: This variant is classified as likely benign based on ACMG/AMP sequence variant interpretation guidelines (Richards et al. 2015 PMID: 25741868, with internal and published modifications).

CeGaT Center for Human Genetics Tuebingen
Classification: Likely benign. Last evaluated: 2023-11-01. Review status: criteria provided, single submitter. Criteria: CeGaT Center For Human Genetics Tuebingen Variant Classification Criteria Version 2. Collection method: clinical testing. Allele origin: germline. Affected: yes. Observed: 1 variant allele.
Comment: MYO18B: BP4

Blueprint Genetics
Classification: Likely benign. Last evaluated: 2023-01-25. Review status: criteria provided, single submitter. Criteria: ACMG Guidelines, 2015. Collection method: clinical testing. Allele origin: germline.

NM_032608.7(MYO18B):c.1226G>A (p.Arg409Gln)

Gene: MYO18B (myosin XVIIIB; plus strand). Cytogenetic location: 22q12.1.
Variant type: single nucleotide variant.
Coding change: c.1226G>A on transcript NM_032608.7 (MANE Select); coding-DNA position 1226, G replaced by A.
Protein change: p.Arg409Gln; replaces arginine 409 with glutamine.
Molecular consequence: missense variant.
Genome position (GRCh38, 1-based): chr22:25,769,142, G>A. VCF-style: chr22-25769142-G-A. GRCh37 (hg19) VCF-style: chr22-26165109-G-A.
Other names: c.1226G>A (NM_032608.6); c.1226G>A, p.Arg409Gln (NM_001318245.2); short protein forms R409Q.
Identifiers: ClinVar variation 1662606 (VCV001662606.33), dbSNP rs199578256, ClinGen allele CA10159783.